The following is an entry in ClinVar:

ClinVar aggregate classification (germline): Uncertain significance. Review status: criteria provided, multiple submitters, no conflicts (2 of 4 stars). 2 submissions from 2 submitters: Uncertain significance (2). Last evaluated 2025-07-07.

Conditions:
Facioscapulohumeral muscular dystrophy 2 (FSHD2). Also called: FACIOSCAPULOHUMERAL MUSCULAR DYSTROPHY 2, DIGENIC; FSHD2, DIGENIC; MUSCULAR DYSTROPHY, FACIOSCAPULOHUMERAL, TYPE 1B. Identifiers: Orphanet 269, MedGen C1834671, MONDO:0008031, OMIM 158901.

Allele frequency attached by ClinVar (database versions not stated): gnomAD exomes 0.00001 and 0.00002; gnomAD 0.00002 and 0.00003; TOPMed 0.00002; ExAC 0.00005; 1000 Genomes Project 30x 0.00031.
gnomAD v4.1: 24 of 1,603,566 alleles (0.0015%); highest among the groups gnomAD compares: South Asian, 0.0067%; no homozygotes.

Submissions (2):

Labcorp Genetics (formerly Invitae), Labcorp
Classification: Uncertain significance for Facioscapulohumeral muscular dystrophy 2. Last evaluated: 2025-07-07. Review status: criteria provided, single submitter. Criteria: Invitae Variant Classification Sherloc (09022015). Collection method: clinical testing. Allele origin: germline.
Comment: This sequence change replaces arginine, which is basic and polar, with tryptophan, which is neutral and slightly polar, at codon 1596 of the SMCHD1 protein (p.Arg1596Trp). The frequency data for this variant in the population databases is considered unreliable, as metrics indicate poor data quality at this position in the gnomAD database. This variant has not been reported in the literature in individuals affected with SMCHD1-related conditions. ClinVar contains an entry for this variant (Variation ID: 288856). Invitae Evidence Modeling of protein sequence and biophysical properties (such as structural, functional, and spatial information, amino acid conservation, physicochemical variation, residue mobility, and thermodynamic stability) indicates that this missense variant is not expected to disrupt SMCHD1 protein function with a negative predictive value of 80%. In summary, the available evidence is currently insufficient to determine the role of this variant in disease. Therefore, it has been classified as a Variant of Uncertain Significance.

Eurofins Ntd Llc (ga)
Classification: Uncertain significance. Last evaluated: 2016-08-25. Review status: criteria provided, single submitter. Criteria: EGL Classification Definitions 2015. Collection method: clinical testing. Allele origin: germline. Observed: 1 variant allele, 1 heterozygote.

NM_015295.3(SMCHD1):c.4786C>T (p.Arg1596Trp)

Gene: SMCHD1 (structural maintenance of chromosomes flexible hinge domain containing 1; plus strand). Cytogenetic location: 18p11.32.
Variant type: single nucleotide variant.
Coding change: c.4786C>T on transcript NM_015295.3 (MANE Select); coding-DNA position 4786, C replaced by T.
Protein change: p.Arg1596Trp; replaces arginine 1596 with tryptophan.
Molecular consequence: missense variant.
Genome position (GRCh38, 1-based): chr18:2,769,760, C>T. VCF-style: chr18-2769760-C-T. GRCh37 (hg19) VCF-style: chr18-2769758-C-T.
Other names: short protein forms R1596W.
Identifiers: ClinVar variation 288856 (VCV000288856.6), dbSNP rs746646525, ClinGen allele CA8871570.
Genomic context (GRCh38, chr18:2,769,760, plus strand): 5'-GTGCTGGCAGAAAGTAGTCCTGGAAGGGATAGTACTGAATATTTTATTGTATTTGAGCCC[C>T]GGCTACCACTTTTATCAAGAACCTTAGAACCATATATCCTACCGTTCATGTTTTACAATG-3'
Protein context (NP_056110.2, residues 1586-1606): STEYFIVFEP[Arg1596Trp]LPLLSRTLEP